The following is an entry in ClinVar:

ClinVar aggregate classification (germline): Uncertain significance (1 of 4 stars; one submission).

Conditions:
Hereditary cancer-predisposing syndrome. Also called: Tumor predisposition; Hereditary Cancer Syndrome; Hereditary neoplastic syndrome; Neoplastic Syndromes, Hereditary. Identifiers: Orphanet 140162, MedGen C0027672, MeSH D009386, MONDO:0015356.

Submission:

Ambry Genetics
Classification: Uncertain significance for Hereditary cancer-predisposing syndrome. Last evaluated: 2024-02-01. Review status: criteria provided, single submitter. Criteria: Ambry Variant Classification Scheme 2023. Collection method: clinical testing. Allele origin: germline.
Comment: The p.G16E variant (also known as c.47G>A), located in coding exon 1 of the RAD50 gene, results from a G to A substitution at nucleotide position 47. The glycine at codon 16 is replaced by glutamic acid, an amino acid with similar properties. This variant was not reported in population based cohorts in the following databases: Database of Single Nucleotide Polymorphisms (dbSNP), NHLBI Exome Sequencing Project (ESP), and 1000 Genomes Project. In the ESP, this variant was not observed in 6503 samples (13006 alleles) with coverage at this position. To date, this alteration has been detected with an allele frequency of approximately 0.001% (greater than 175000 alleles tested) in our clinical cohort. This amino acid position is highly conserved in available vertebrate species. In addition, the in silico prediction for this alteration is inconclusive. Since supporting evidence is limited at this time, the clinical significance of this alteration remains unclear.

NM_005732.4(RAD50):c.47G>A (p.Gly16Glu)

Gene: RAD50 (RAD50 double strand break repair protein; plus strand). Cytogenetic location: 5q31.1.
Variant type: single nucleotide variant.
Coding change: c.47G>A on transcript NM_005732.4 (MANE Select); coding-DNA position 47, G replaced by A.
Protein change: p.Gly16Glu; replaces glycine 16 with glutamic acid.
Molecular consequence: missense variant.
Genome position (GRCh38, 1-based): chr5:132,557,371, G>A. VCF-style: chr5-132557371-G-A. GRCh37 (hg19) VCF-style: chr5-131893063-G-A.
Other names: short protein forms G16E.
Identifiers: ClinVar variation 486247 (VCV000486247.5), dbSNP rs1554096634, ClinGen allele CA360951038.